The following is an entry in ClinVar:

NM_022132.5(MCCC2):c.970_985del (p.Asn324fs)

Gene: MCCC2 (methylcrotonyl-CoA carboxylase subunit 2; plus strand). Cytogenetic location: 5q13.2.
Variant type: Deletion.
Coding change: c.970_985del on transcript NM_022132.5 (MANE Select); coding-DNA positions 970 to 985, 16 bases deleted (AACCTTAAGAGGAGCT).
Protein change: p.Asn324fs; shifts the reading frame from asparagine 324.
Molecular consequence: frameshift variant.
Genome position (GRCh38, 1-based): chr5:71,635,217-71,635,232, AACCTTAAGAGGAGCT deleted; deleting any 16 consecutive bases within chr5:71,635,214-71,635,232 gives the same sequence; the c. name uses the placement nearest the transcript's 3' end. VCF-style (leftmost placement, unchanged base first): chr5-71635213-TGCTAACCTTAAGAGGA-T. GRCh37 (hg19) VCF-style: chr5-70931040-TGCTAACCTTAAGAGGA-T.
Other names: c.856_871del, p.Asn286fs (NM_001363147.1); short protein forms N286fs, N324fs.
Identifiers: ClinVar variation 1074648 (VCV001074648.7), dbSNP rs2112438432, ClinGen allele CA2499217890.

ClinVar aggregate classification (germline): Pathogenic (1 of 4 stars; one submission).

Conditions:
3-methylcrotonyl-CoA carboxylase 2 deficiency. Also called: METHYLCROTONYLGLYCINURIA, TYPE II; 3 alpha methylcrotonyl-CoA carboxylase 2 deficiency; 3 alpha methylcrotonylglycinuria 2; MCC 2 deficiency; Methylcrotonylglycinuria type 2. Identifiers: Orphanet 6, MedGen C1859499, MONDO:0008862, OMIM 210210.

Submission:

Labcorp Genetics (formerly Invitae), Labcorp
Classification: Pathogenic for 3-methylcrotonyl-CoA carboxylase 2 deficiency. Last evaluated: 2021-02-10. Review status: criteria provided, single submitter. Criteria: Invitae Variant Classification Sherloc (09022015). Collection method: clinical testing. Allele origin: germline.
Comment: For these reasons, this variant has been classified as Pathogenic. This variant has not been reported in the literature in individuals with MCCC2-related conditions. This variant is not present in population databases (ExAC no frequency). This sequence change creates a premature translational stop signal (p.Asn324Leufs*27) in the MCCC2 gene. It is expected to result in an absent or disrupted protein product. Loss-of-function variants in MCCC2 are known to be pathogenic (PMID: 11181649, 22642865).

Literature cited by the submitters: PubMed 11181649; PubMed 22642865.